The following is an entry in ClinVar:

NM_004517.4(ILK):c.618+5C>G

Genes: ILK (integrin linked kinase; plus strand), TAF10 (TATA-box binding protein associated factor 10; minus strand). Cytogenetic location: 11p15.4.
Variant type: single nucleotide variant.
Coding change: c.618+5C>G on transcript NM_004517.4 (MANE Select); 5 bases into the intron after coding-DNA position 618, C replaced by G.
Molecular consequence: intron variant. On other transcripts: 3 prime UTR variant (1).
Genome position (GRCh38, 1-based): chr11:6,609,161, C>G. VCF-style: chr11-6609161-C-G. GRCh37 (hg19) VCF-style: chr11-6630392-C-G.
Other names: c.*1761G>C (NM_006284.4); c.618+5C>G (NM_001014795.3, NM_001014794.3); c.436-138C>G (NM_001278441.2); c.216+5C>G (NM_001278442.2).
Identifiers: ClinVar variation 2167376 (VCV002167376.4), dbSNP rs868090995, ClinGen allele CA1950224105.

ClinVar aggregate classification (germline): Uncertain significance (1 of 4 stars; one submission).

Conditions:
Primary familial hypertrophic cardiomyopathy (HCM). Identifiers: Orphanet 99739, MedGen C0949658, MeSH D024741, MONDO:0024573. Inheritance: Various modes of inheritance.

Submission:

Labcorp Genetics (formerly Invitae), Labcorp
Classification: Uncertain significance for Primary familial hypertrophic cardiomyopathy. Last evaluated: 2025-06-12. Review status: criteria provided, single submitter. Criteria: Invitae Variant Classification Sherloc (09022015). Collection method: clinical testing. Allele origin: germline.
Comment: This sequence change falls in intron 7 of the ILK gene. It does not directly change the encoded amino acid sequence of the ILK protein. It affects a nucleotide within the consensus splice site. This variant is not present in population databases (gnomAD no frequency). This variant has not been reported in the literature in individuals affected with ILK-related conditions. ClinVar contains an entry for this variant (Variation ID: 2167376). Variants that disrupt the consensus splice site are a relatively common cause of aberrant splicing (PMID: 17576681, 9536098). Algorithms developed to predict the effect of sequence changes on RNA splicing suggest that this variant may create or strengthen a splice site. In summary, the available evidence is currently insufficient to determine the role of this variant in disease. Therefore, it has been classified as a Variant of Uncertain Significance.

Literature cited by the submitters: PubMed 17576681; PubMed 9536098.